The following is an entry in ClinVar:

ClinVar aggregate classification (germline): Uncertain significance. Review status: criteria provided, multiple submitters, no conflicts (2 of 4 stars). 2 submissions from 2 submitters: Uncertain significance (2). Last evaluated 2023-02-14.

Allele frequency attached by ClinVar (database versions not stated): gnomAD exomes below 0.00001; ExAC 0.00001.
gnomAD v4.1: 3 of 1,613,964 alleles (0.00019%); highest among the groups gnomAD compares: Non-Finnish European, 0.00025%; no homozygotes.

Submissions (2):

Labcorp Genetics (formerly Invitae), Labcorp
Classification: Uncertain significance. Last evaluated: 2023-02-14. Review status: criteria provided, single submitter. Criteria: Invitae Variant Classification Sherloc (09022015). Collection method: clinical testing. Allele origin: germline.
Comment: In summary, the available evidence is currently insufficient to determine the role of this variant in disease. Therefore, it has been classified as a Variant of Uncertain Significance. Advanced modeling of protein sequence and biophysical properties (such as structural, functional, and spatial information, amino acid conservation, physicochemical variation, residue mobility, and thermodynamic stability) performed at Invitae indicates that this missense variant is not expected to disrupt SETD5 protein function. ClinVar contains an entry for this variant (Variation ID: 1500132). This variant has not been reported in the literature in individuals affected with SETD5-related conditions. This variant is present in population databases (rs757905878, gnomAD 0.0009%). This sequence change replaces alanine, which is neutral and non-polar, with threonine, which is neutral and polar, at codon 232 of the SETD5 protein (p.Ala232Thr).

GeneDx
Classification: Uncertain significance. Last evaluated: 2022-04-04. Review status: criteria provided, single submitter. Criteria: GeneDx Variant Classification Process June 2021. Collection method: clinical testing. Allele origin: germline. Affected: yes.
Comment: Not observed at significant frequency in large population cohorts (gnomAD); In silico analysis supports that this missense variant does not alter protein structure/function; Has not been previously published as pathogenic or benign to our knowledge

NM_001080517.3(SETD5):c.694G>A (p.Ala232Thr)

Gene: SETD5 (SET domain containing 5; plus strand). Cytogenetic location: 3p25.3.
Variant type: single nucleotide variant.
Coding change: c.694G>A on transcript NM_001080517.3 (MANE Select); coding-DNA position 694, G replaced by A.
Protein change: p.Ala232Thr; replaces alanine 232 with threonine.
Molecular consequence: missense variant.
Genome position (GRCh38, 1-based): chr3:9,440,582, G>A. VCF-style: chr3-9440582-G-A. GRCh37 (hg19) VCF-style: chr3-9482266-G-A.
Other names: c.400G>A, p.Ala134Thr (NM_001292043.2, NM_001349451.2); short protein forms A134T, A232T.
Identifiers: ClinVar variation 1500132 (VCV001500132.9), dbSNP rs757905878, ClinGen allele CA2238993.